The following is an entry in ClinVar:

ClinVar aggregate classification (germline): Benign (1 of 4 stars; one submission).

Conditions:
Hypoparathyroidism, deafness, renal disease syndrome (HDRS). Also called: HYPOPARATHYROIDISM, SENSORINEURAL DEAFNESS, AND RENAL DYSPLASIA SYNDROME. Identifiers: Orphanet 2237, MedGen C1840333, MONDO:0007797, OMIM 146255.

Allele frequency attached by ClinVar (database versions not stated): gnomAD exomes 0.00025; TOPMed 0.00059; 1000 Genomes Project 0.00060; gnomAD 0.00062 and 0.00064; 1000 Genomes Project 30x 0.00078.

Submission:

Illumina Laboratory Services, Illumina
Classification: Benign for Hypoparathyroidism, deafness, renal disease syndrome. Last evaluated: 2018-01-13. Review status: criteria provided, single submitter. Criteria: ICSL Variant Classification Criteria 13 December 2019. Collection method: clinical testing. Allele origin: germline.
Comment: This variant was observed in the ICSL laboratory as part of a predisposition screen in an ostensibly healthy population. It had not been previously curated by ICSL or reported in the Human Gene Mutation Database (HGMD: prior to June 1st, 2018), and was therefore a candidate for classification through an automated scoring system. Utilizing variant allele frequency, disease prevalence and penetrance estimates, and inheritance mode, an automated score was calculated to assess if this variant is too frequent to cause the disease. Based on the score and internal cut-off values, a variant classified as benign is not then subjected to further curation. The score for this variant resulted in a classification of benign for this disease.

NM_001002295.2(GATA3):c.*798G>A

Gene: GATA3 (GATA binding protein 3; plus strand). Cytogenetic location: 10p14.
Variant type: single nucleotide variant.
Coding change: c.*798G>A on transcript NM_001002295.2 (MANE Select); 798 bases downstream of the stop codon, G replaced by A.
Molecular consequence: 3 prime UTR variant.
Genome position (GRCh38, 1-based): chr10:8,074,821, G>A. VCF-style: chr10-8074821-G-A. GRCh37 (hg19) VCF-style: chr10-8116784-G-A.
Other names: c.*798G>A (NM_002051.3).
Identifiers: ClinVar variation 301145 (VCV000301145.5), dbSNP rs531077807, ClinGen allele CA10636626.